The following is an entry in ClinVar:

ClinVar aggregate classification (germline): Uncertain significance (1 of 4 stars; one submission).

gnomAD v4.1: 4 of 1,582,166 alleles (0.00025%); highest among the groups gnomAD compares: Non-Finnish European, 0.00034%; no homozygotes.

Submission:

CeGaT Center for Human Genetics Tuebingen
Classification: Uncertain significance. Last evaluated: 2025-12-01. Review status: criteria provided, single submitter. Criteria: CeGaT Center For Human Genetics Tuebingen Variant Classification Criteria Version 2. Collection method: clinical testing. Allele origin: germline. Affected: yes. Observed: 1 variant allele.
Comment: SH2B3: PM2

NM_005475.3(SH2B3):c.78G>A (p.Trp26Ter)

Gene: SH2B3 (SH2B adaptor protein 3; plus strand). Cytogenetic location: 12q24.12.
Variant type: single nucleotide variant.
Coding change: c.78G>A on transcript NM_005475.3 (MANE Select); coding-DNA position 78, G replaced by A.
Protein change: p.Trp26Ter; replaces tryptophan 26 with a stop codon.
Molecular consequence: nonsense.
Genome position (GRCh38, 1-based): chr12:111,418,223, G>A. VCF-style: chr12-111418223-G-A. GRCh37 (hg19) VCF-style: chr12-111856027-G-A.
Other names: short protein forms W26*.
Identifiers: ClinVar variation 4681470 (VCV004681470.5).
Genomic context (GRCh38, chr12:111,418,223, plus strand): 5'-GCAGCCCTCCTCGCCCTCTTCCGCGCCCTCAGCCTCCCCGGCGGCGGCCCCGCGGGGCTG[G>A]AGCGAGTTCTGTGAGTTGCACGCCGTAGCGGCGGCCCGGGAGCTGGCCCGCCAGTACTGG-3'